The following is an entry in ClinVar:

NM_002485.5(NBN):c.966C>T (p.Tyr322=)

Gene: NBN (nibrin; minus strand). Cytogenetic location: 8q21.3.
Variant type: single nucleotide variant.
Coding change: c.966C>T on transcript NM_002485.5 (MANE Select); coding-DNA position 966, C replaced by T.
Protein change: p.Tyr322=; no amino-acid change (tyrosine 322 retained).
Molecular consequence: synonymous variant.
Genome position (GRCh38, 1-based): chr8:89,964,438, G>A on the plus strand (C>T on the coding strand, the complement: NBN is on the minus strand). VCF-style: chr8-89964438-G-A. GRCh37 (hg19) VCF-style: chr8-90976666-G-A.
Other names: c.720C>T, p.Tyr240= (NM_001024688.3).
Identifiers: ClinVar variation 184004 (VCV000184004.19), dbSNP rs748453607, ClinGen allele CA187456.
Genomic context (GRCh38, chr8:89,964,438, plus strand): 5'-CTAACGAATCAATAAAATAATGCTTCAATTACCTGTACTGGGATGGCCCTGAGGATCACA[G>A]TAATTCTTTGTAGTCATGAAAATCACCGCCAATCCAATTTCTGCTTCAGGAATAGGTCTA-3'
Protein context (NP_002476.2, residues 312-332): LAVIFMTTKN[Tyr322=]CDPQGHPSTG

ClinVar aggregate classification (germline): Likely benign. Review status: criteria provided, multiple submitters, no conflicts (2 of 4 stars). 4 submissions from 4 submitters: Likely benign (4). Last evaluated 2025-11-09.

Conditions:
Hereditary cancer-predisposing syndrome. Also called: Tumor predisposition; Hereditary Cancer Syndrome; Hereditary neoplastic syndrome; Neoplastic Syndromes, Hereditary. Identifiers: Orphanet 140162, MedGen C0027672, MeSH D009386, MONDO:0015356.
Microcephaly, normal intelligence and immunodeficiency (NBS). Also called: IMMUNODEFICIENCY, MICROCEPHALY, AND CHROMOSOMAL INSTABILITY; SEEMANOVA SYNDROME II; Nijmegen breakage syndrome; Microcephaly with normal intelligence immunodeficiency and lymphoreticular malignancies; Nonsyndromal microcephaly autosomal recessive with normal intelligence; Seemanova syndrome 2. Identifiers: Orphanet 647, MedGen C0398791, MONDO:0009623, OMIM 251260.

Allele frequency attached by ClinVar (database versions not stated): gnomAD exomes below 0.00001 and 0.00002; ExAC 0.00002.
gnomAD v4.1: 2 of 1,613,644 alleles (0.00012%); highest among the groups gnomAD compares: Non-Finnish European, 0.00017%; no homozygotes.

Submissions (4):

Labcorp Genetics (formerly Invitae), Labcorp
Classification: Likely benign for Microcephaly, normal intelligence and immunodeficiency. Last evaluated: 2025-11-09. Review status: criteria provided, single submitter. Criteria: Invitae Variant Classification Sherloc (09022015). Collection method: clinical testing. Allele origin: germline.

Women's Health and Genetics/Laboratory Corporation of America, LabCorp
Classification: Likely benign. Last evaluated: 2023-06-17. Review status: criteria provided, single submitter. Criteria: LabCorp Variant Classification Summary - May 2015. Collection method: clinical testing. Allele origin: germline.

Ambry Genetics
Classification: Likely benign for Hereditary cancer-predisposing syndrome. Last evaluated: 2019-11-07. Review status: criteria provided, single submitter. Criteria: Ambry Variant Classification Scheme 2023. Collection method: clinical testing. Allele origin: germline.

GeneDx
Classification: Likely benign. Last evaluated: 2018-02-20. Review status: criteria provided, single submitter. Criteria: GeneDx Variant Classification (06012015). Collection method: clinical testing. Allele origin: germline. Affected: yes.
Comment: This variant is considered likely benign or benign based on one or more of the following criteria: it is a conservative change, it occurs at a poorly conserved position in the protein, it is predicted to be benign by multiple in silico algorithms, and/or has population frequency not consistent with disease.